The following is an entry in ClinVar:

ClinVar aggregate classification (germline): Uncertain significance. Review status: criteria provided, single submitter (1 of 4 stars). 3 submissions from 3 submitters: Uncertain significance (1). 2 of the submissions do not count toward it. Last evaluated 2018-08-02.

Conditions:
Ehlers-Danlos syndrome, kyphoscoliotic type 1 (EDSKSCL1). Also called: EHLERS-DANLOS SYNDROME, TYPE VIA; PLOD1-Related Kyphoscoliotic Ehlers-Danlos Syndrome; EHLERS-DANLOS SYNDROME, OCULAR-SCOLIOTIC TYPE; Ehlers-Danlos syndrome, hydroxylysine-deficient. Identifiers: Orphanet 1900, MedGen C0268342, MONDO:0016002, OMIM 225400. Disease mechanism: loss of function.

gnomAD v4.1: 8 of 1,612,344 alleles (0.0005%); highest among the groups gnomAD compares: Non-Finnish European, 0.00068%; no homozygotes.

Submissions (3):

Labcorp Genetics (formerly Invitae), Labcorp
Classification: Uncertain significance for Ehlers-Danlos syndrome, hydroxylysine-deficient. Last evaluated: 2018-08-02. Review status: criteria provided, single submitter. Criteria: Invitae Variant Classification Sherloc (09022015). Collection method: clinical testing. Allele origin: germline.
Comment: This sequence change replaces valine with glycine at codon 445 of the PLOD1 protein (p.Val445Gly). The valine residue is moderately conserved and there is a moderate physicochemical difference between valine and glycine. This variant is not present in population databases (ExAC no frequency). This variant has not been reported in the literature in individuals with PLOD1-related disease. Algorithms developed to predict the effect of missense changes on protein structure and function are either unavailable or do not agree on the potential impact of this missense change (SIFT: "Deleterious"; PolyPhen-2: "Benign"; Align-GVGD: "Class C25"). In summary, the available evidence is currently insufficient to determine the role of this variant in disease. Therefore, it has been classified as a Variant of Uncertain Significance.

Genome Diagnostics Laboratory, University Medical Center Utrecht
Classification: Uncertain significance. Review status: no assertion criteria provided. Collection method: clinical testing. Allele origin: germline. Affected: yes. Study: VKGL Data-share Consensus. Not counted in ClinVar's aggregate classification.

Laboratory of Diagnostic Genome Analysis, Leiden University Medical Center (LUMC)
Classification: Uncertain significance. Review status: no assertion criteria provided. Collection method: clinical testing. Allele origin: germline. Affected: yes. Study: VKGL Data-share Consensus. Not counted in ClinVar's aggregate classification.

NM_000302.4(PLOD1):c.1334T>G (p.Val445Gly)

Gene: PLOD1 (procollagen-lysine,2-oxoglutarate 5-dioxygenase 1; plus strand). Cytogenetic location: 1p36.22.
Variant type: single nucleotide variant.
Coding change: c.1334T>G on transcript NM_000302.4 (MANE Select); coding-DNA position 1334, T replaced by G.
Protein change: p.Val445Gly; replaces valine 445 with glycine.
Molecular consequence: missense variant.
Genome position (GRCh38, 1-based): chr1:11,964,649, T>G. VCF-style: chr1-11964649-T-G. GRCh37 (hg19) VCF-style: chr1-12024706-T-G.
Other names: c.1475T>G, p.Val492Gly (NM_001316320.2); short protein forms V445G, V492G.
Identifiers: ClinVar variation 640601 (VCV000640601.3), dbSNP rs922997919, ClinGen allele CA338442978.